The following is an entry in ClinVar:

ClinVar aggregate classification (germline): Pathogenic. Review status: criteria provided, multiple submitters, no conflicts (2 of 4 stars). 2 submissions from 2 submitters: Pathogenic (2). Last evaluated 2022-05-01.

Conditions:
Neurofibromatosis, type 1 (NF1). Also called: Peripheral type neurofibromatosis; Neurofibromatosis, type I; VON RECKLINGHAUSEN DISEASE; NEUROFIBROMATOSIS, TYPE I, SOMATIC. Identifiers: Orphanet 636, MedGen C0027831, MONDO:0018975, OMIM 162200. Disease mechanism: loss of function.
Hereditary cancer-predisposing syndrome. Also called: Hereditary neoplastic syndrome; Neoplastic Syndromes, Hereditary; Hereditary Cancer Syndrome; Tumor predisposition. Identifiers: Orphanet 140162, MedGen C0027672, MeSH D009386, MONDO:0015356.
Cardiovascular phenotype. Identifiers: MedGen CN230736.

Submissions (2):

Labcorp Genetics (formerly Invitae), Labcorp
Classification: Pathogenic for Neurofibromatosis, type 1. Last evaluated: 2022-05-01. Review status: criteria provided, single submitter. Criteria: Invitae Variant Classification Sherloc (09022015). Collection method: clinical testing. Allele origin: germline.
Comment: This sequence change creates a premature translational stop signal (p.Val1751Serfs*2) in the NF1 gene. It is expected to result in an absent or disrupted protein product. Loss-of-function variants in NF1 are known to be pathogenic (PMID: 10712197, 23913538). This variant is not present in population databases (gnomAD no frequency). This variant has not been reported in the literature in individuals affected with NF1-related conditions. For these reasons, this variant has been classified as Pathogenic.

Ambry Genetics
Classification: Pathogenic for Cardiovascular phenotype; Hereditary cancer-predisposing syndrome. Last evaluated: 2017-08-18. Review status: criteria provided, single submitter. Criteria: Ambry Variant Classification Scheme 2023. Collection method: clinical testing. Allele origin: germline.
Comment: The c.5250delA pathogenic mutation, located in coding exon 37 of the NF1 gene, results from a deletion of one nucleotide at nucleotide position 5250, causing a translational frameshift with a predicted alternate stop codon (p.V1751Sfs*2). This alteration is expected to result in loss of function by premature protein truncation or nonsense-mediated mRNA decay. As such, this alteration is interpreted as a disease-causing mutation.

Literature cited by the submitters: PubMed 10712197 (cited by Labcorp Genetics (formerly Invitae), Labcorp); PubMed 23913538 (cited by Labcorp Genetics (formerly Invitae), Labcorp).

NM_001042492.3(NF1):c.5313del (p.Val1772fs)

Gene: NF1 (neurofibromin 1; plus strand). Cytogenetic location: 17q11.2.
Variant type: Deletion.
Coding change: c.5313del on transcript NM_001042492.3 (MANE Select); coding-DNA position 5313, one base deleted (A; older notation c.5313delA).
Protein change: p.Val1772fs; shifts the reading frame from valine 1772.
Molecular consequence: frameshift variant.
Genome position (GRCh38, 1-based): chr17:31,327,543, A deleted; the last of 4 consecutive A bases (chr17:31,327,540-31,327,543); deleting any one gives the same sequence. VCF-style (leftmost placement, unchanged base first): chr17-31327539-CA-C. GRCh37 (hg19) VCF-style: chr17-29654557-CA-C.
Other names: c.5250delA (NM_000267.3); c.5250delA, p.Val1751Serfs (NM_000267.4); short protein forms V1772fs, V1751fs.
Identifiers: ClinVar variation 1418521 (VCV001418521.8), dbSNP rs2151540910, ClinGen allele CA2573153402.